The following is an entry in ClinVar:

ClinVar aggregate classification (germline): Likely benign. Review status: criteria provided, multiple submitters, no conflicts (2 of 4 stars). 3 submissions from 3 submitters: Likely benign (3). Last evaluated 2025-12-30.

Allele frequency attached by ClinVar (database versions not stated): ExAC 0.00010; gnomAD 0.00012 and 0.00013; TOPMed 0.00012; gnomAD exomes 0.00013 and 0.00021; ESP Exome Variant Server 0.00015.

Submissions (3):

Labcorp Genetics (formerly Invitae), Labcorp
Classification: Likely benign. Last evaluated: 2025-12-30. Review status: criteria provided, single submitter. Criteria: Invitae Variant Classification Sherloc (09022015). Collection method: clinical testing. Allele origin: germline.

Blueprint Genetics
Classification: Likely benign. Last evaluated: 2024-01-04. Review status: criteria provided, single submitter. Criteria: ACMG Guidelines, 2015. Collection method: clinical testing. Allele origin: germline.

GeneDx
Classification: Likely benign. Last evaluated: 2016-06-23. Review status: criteria provided, single submitter. Criteria: GeneDx Variant Classification (06012015). Collection method: clinical testing. Allele origin: germline. Affected: yes.
Comment: This variant is considered likely benign or benign based on one or more of the following criteria: it is a conservative change, it occurs at a poorly conserved position in the protein, it is predicted to be benign by multiple in silico algorithms, and/or has population frequency not consistent with disease.

NM_020117.11(LARS1):c.1248T>C (p.Tyr416=)

Gene: LARS1 (leucyl-tRNA synthetase 1; minus strand). Cytogenetic location: 5q32.
Variant type: single nucleotide variant.
Coding change: c.1248T>C on transcript NM_020117.11 (MANE Select); coding-DNA position 1248, T replaced by C.
Protein change: p.Tyr416=; no amino-acid change (tyrosine 416 retained).
Molecular consequence: synonymous variant.
Genome position (GRCh38, 1-based): chr5:146,153,210, A>G on the plus strand (T>C on the coding strand, the complement: LARS1 is on the minus strand). VCF-style: chr5-146153210-A-G. GRCh37 (hg19) VCF-style: chr5-145532773-A-G.
Other names: c.1110T>C, p.Tyr370= (NM_001317964.2); c.1086T>C, p.Tyr362= (NM_001317965.2); c.1167T>C, p.Tyr389= (NM_016460.4).
Identifiers: ClinVar variation 378074 (VCV000378074.9), dbSNP rs147682879, ClinGen allele CA3489680.